The following is an entry in ClinVar:

NM_001034853.2(RPGR):c.2568dup (p.Lys857fs)

Gene: RPGR (retinitis pigmentosa GTPase regulator; minus strand). Cytogenetic location: Xp11.4.
Variant type: Duplication.
Coding change: c.2568dup on transcript NM_001034853.2 (MANE Select); coding-DNA position 2568, one base duplicated (G; older notation c.2568dupG).
Protein change: p.Lys857fs; shifts the reading frame from lysine 857.
Molecular consequence: frameshift variant. On other transcripts: intron variant (8).
Genome position (GRCh38, 1-based): chrX:38,286,431, C duplicated on the plus strand (G on the coding strand, the reverse complement: RPGR is on the minus strand); the first of 3 consecutive C bases (chrX:38,286,431-38,286,433); duplicating any one gives the same sequence. VCF-style (leftmost placement, unchanged base first): chrX-38286430-T-TC. GRCh37 (hg19) VCF-style: chrX-38145683-T-TC.
Other names: c.1569+4526dup (NM_001367249.1, NM_001367250.1); c.1902+661dup (NM_001367245.1); c.1386+4526dup (NM_001367251.1); c.1719+661dup (NM_001367246.1); c.1572+4526dup (NM_001367247.1); c.1905+661dup (NM_000328.3); c.1602+4526dup (NM_001367248.1); short protein forms K857fs.
Identifiers: ClinVar variation 867213 (VCV000867213.7), dbSNP rs2067172824, ClinGen allele CA916083894.
Genomic context (GRCh38, chrX:38,286,430, plus strand): 5'-CCCCTTCTCCTTCCTCCCCTTCTTCCTCCCCTTCTCCTTCTTCCCCTTCTTCCTCCCCTT[T>TC]CCCTTCTCCTTCCTCCTCTTCCCCCTCCCCTTCCTCCTCTTCCCCCTCCCCTTCCTCCTC-3'

ClinVar aggregate classification (germline): Pathogenic. Review status: criteria provided, multiple submitters, no conflicts (2 of 4 stars). 3 submissions from 2 submitters: Pathogenic (2). 1 of the submissions does not count toward it. Last evaluated 2025-10-21.

Conditions:
Retinal dystrophy. Also called: Inherited retinal dystrophy. Identifiers: Orphanet 71862, MedGen C0854723, MeSH D058499, MONDO:0019118, HP:0000556.
Retinitis pigmentosa 3. Also called: CHOROIDORETINAL DEGENERATION WITH RETINAL REFLEX IN HETEROZYGOUS WOMEN. Identifiers: Orphanet 791, MedGen C1845667, MONDO:0010227, OMIM 300029.
Primary ciliary dyskinesia. Also called: Ciliary dyskinesia. Identifiers: Orphanet 244, MedGen C0008780, MONDO:0016575, HP:0012265.

Submissions (3):

Labcorp Genetics (formerly Invitae), Labcorp
Classification: Pathogenic for Primary ciliary dyskinesia. Last evaluated: 2025-10-21. Review status: criteria provided, single submitter. Criteria: Invitae Variant Classification Sherloc (09022015). Collection method: clinical testing. Allele origin: germline.
Comment: This sequence change creates a premature translational stop signal (p.Lys857Glufs*222) in the RPGR (ORF15) gene. While this is not anticipated to result in nonsense mediated decay, it is expected to disrupt the last 296 amino acid(s) of the RPGR (ORF15) protein. This variant is not present in population databases (gnomAD no frequency). This premature translational stop signal has been observed in individual(s) with retinitis pigmentosa (PMID: 29721948). This variant is also known as c.2568_2569 insG (p.Lys857Glufs). ClinVar contains an entry for this variant (Variation ID: 867213). This variant disrupts a region of the RPGR (ORF15) protein in which other variant(s) (p.Leu1130Lysfs*13) have been determined to be pathogenic (PMID: 22264887; internal data). This suggests that this is a clinically significant region of the protein, and that variants that disrupt it are likely to be disease-causing. For these reasons, this variant has been classified as Pathogenic.

Blueprint Genetics
Classification: Pathogenic for Retinal dystrophy. Last evaluated: 2019-08-02. Review status: criteria provided, single submitter. Criteria: Blueprint Genetics Variant Classification Scheme. Collection method: clinical testing. Allele origin: germline. Affected: yes.

Blueprint Genetics
Classification: Likely pathogenic for Retinitis pigmentosa 3. Review status: no assertion criteria provided. Collection method: clinical testing. Allele origin: germline. Affected: yes. Not counted in ClinVar's aggregate classification.

Literature cited by the submitters: PubMed 29721948 (cited by Labcorp Genetics (formerly Invitae), Labcorp); PubMed 22264887 (cited by Labcorp Genetics (formerly Invitae), Labcorp).